The following is an entry in ClinVar:

NC_000006.11:g.(?_31928659)_(31928884_?)del

Gene: SKIC2 (SKI2 subunit of superkiller complex; plus strand). Cytogenetic location: 6p21.33.
Variant type: Deletion.
Identifiers: ClinVar variation 2425670 (VCV002425670.4).

ClinVar aggregate classification (germline): Uncertain significance (1 of 4 stars; one submission).

Submission:

Labcorp Genetics (formerly Invitae), Labcorp
Classification: Uncertain significance. Last evaluated: 2022-08-15. Review status: criteria provided, single submitter. Criteria: Invitae Variant Classification Sherloc (09022015). Collection method: clinical testing. Allele origin: germline.
Comment: In summary, the available evidence is currently insufficient to determine the role of this variant in disease. Therefore, it has been classified as a Variant of Uncertain Significance. Experimental studies and prediction algorithms are not available or were not evaluated, and the functional significance of this variant is currently unknown. A similar copy number variant has been observed in individual(s) with clinical features of trichohepatoenteric syndrome (Invitae). This variant is a gross deletion of the genomic region encompassing exon(s) 7 of the SKIV2L gene. This variant would be expected to be in-frame, preserving the integrity of the reading frame.